The following is an entry in ClinVar:

ClinVar aggregate classification (germline): Uncertain significance (1 of 4 stars; one submission).

Submission:

Labcorp Genetics (formerly Invitae), Labcorp
Classification: Uncertain significance. Last evaluated: 2021-05-25. Review status: criteria provided, single submitter. Criteria: Invitae Variant Classification Sherloc (09022015). Collection method: clinical testing. Allele origin: germline.
Comment: In summary, the available evidence is currently insufficient to determine the role of this variant in disease. Therefore, it has been classified as a Variant of Uncertain Significance. Experimental studies and prediction algorithms are not available or were not evaluated, and the functional significance of this variant is currently unknown. This variant has been observed in individual(s) with focal segmental glomerulosclerosis (Invitae). This variant is not present in population databases (ExAC no frequency). This variant, c.613_633del, results in the deletion of 7 amino acid(s) of the ACTN4 protein (p.His205_Glu211del), but otherwise preserves the integrity of the reading frame.

NM_004924.6(ACTN4):c.613_633del (p.His205_Glu211del)

Gene: ACTN4 (actinin alpha 4; plus strand). Cytogenetic location: 19q13.2.
Variant type: Deletion.
Coding change: c.613_633del on transcript NM_004924.6 (MANE Select); coding-DNA positions 613 to 633, 21 bases deleted (CACAGACCAGAGCTGATTGAG).
Protein change: p.His205_Glu211del.
Molecular consequence: inframe deletion.
Genome position (GRCh38, 1-based): chr19:38,708,157-38,708,177, CACAGACCAGAGCTGATTGAG deleted; deleting any 21 consecutive bases within chr19:38,708,156-38,708,177 gives the same sequence; the c. name uses the placement nearest the transcript's 3' end. VCF-style (leftmost placement, unchanged base first): chr19-38708155-GGCACAGACCAGAGCTGATTGA-G. GRCh37 (hg19) VCF-style: chr19-39198795-GGCACAGACCAGAGCTGATTGA-G.
Other names: c.613_633del, p.His205_Glu211del (NM_001322033.2).
Identifiers: ClinVar variation 1491950 (VCV001491950.8), dbSNP rs2145022796, ClinGen allele CA2573156336.